The following is an entry in ClinVar:

NM_001042492.3(NF1):c.4061C>T (p.Ser1354Phe)

Gene: NF1 (neurofibromin 1; plus strand). Cytogenetic location: 17q11.2.
Variant type: single nucleotide variant.
Coding change: c.4061C>T on transcript NM_001042492.3 (MANE Select); coding-DNA position 4061, C replaced by T.
Protein change: p.Ser1354Phe; replaces serine 1354 with phenylalanine.
Molecular consequence: missense variant.
Genome position (GRCh38, 1-based): chr17:31,249,070, C>T. VCF-style: chr17-31249070-C-T. GRCh37 (hg19) VCF-style: chr17-29576088-C-T.
Other names: c.4061C>T, p.Ser1354Phe (NM_000267.4); short protein forms S1354F.
Identifiers: ClinVar variation 1021612 (VCV001021612.5), dbSNP rs1555617348, ClinGen allele CA398995001.

ClinVar aggregate classification (germline): Uncertain significance (1 of 4 stars; one submission).

Conditions:
Neurofibromatosis, type 1 (NF1). Also called: Peripheral type neurofibromatosis; Neurofibromatosis, type I; VON RECKLINGHAUSEN DISEASE; NEUROFIBROMATOSIS, TYPE I, SOMATIC. Identifiers: Orphanet 636, MedGen C0027831, MONDO:0018975, OMIM 162200. Disease mechanism: loss of function.

Submission:

Labcorp Genetics (formerly Invitae), Labcorp
Classification: Uncertain significance for Neurofibromatosis, type 1. Last evaluated: 2020-08-06. Review status: criteria provided, single submitter. Criteria: Invitae Variant Classification Sherloc (09022015). Collection method: clinical testing. Allele origin: germline.
Comment: This sequence change replaces serine with phenylalanine at codon 1354 of the NF1 protein (p.Ser1354Phe). The serine residue is moderately conserved and there is a large physicochemical difference between serine and phenylalanine. This variant is not present in population databases (ExAC no frequency). This variant has not been reported in the literature in individuals with NF1-related conditions. Algorithms developed to predict the effect of missense changes on protein structure and function are either unavailable or do not agree on the potential impact of this missense change (SIFT: "Tolerated"; PolyPhen-2: "Possibly Damaging"; Align-GVGD: "Class C0"). In summary, the available evidence is currently insufficient to determine the role of this variant in disease. Therefore, it has been classified as a Variant of Uncertain Significance.